The following is an entry in ClinVar:

ClinVar aggregate classification (germline): Uncertain significance (1 of 4 stars; one submission).

Allele frequency attached by ClinVar (database versions not stated): ExAC 0.00001.
gnomAD v4.1: 11 of 1,613,744 alleles (0.00068%); highest among the groups gnomAD compares: African/African-American, 0.0013%; no homozygotes.

Submission:

Labcorp Genetics (formerly Invitae), Labcorp
Classification: Uncertain significance. Last evaluated: 2020-09-02. Review status: criteria provided, single submitter. Criteria: Invitae Variant Classification Sherloc (09022015). Collection method: clinical testing. Allele origin: germline.
Comment: In summary, the available evidence is currently insufficient to determine the role of this variant in disease. Therefore, it has been classified as a Variant of Uncertain Significance. Algorithms developed to predict the effect of missense changes on protein structure and function are either unavailable or do not agree on the potential impact of this missense change (SIFT: "Deleterious"; PolyPhen-2: "Possibly Damaging"; Align-GVGD: "Class C15"). This variant has not been reported in the literature in individuals with RCBTB1-related conditions. This variant is present in population databases (rs760901432, ExAC 0.002%). This sequence change replaces valine with methionine at codon 332 of the RCBTB1 protein (p.Val332Met). The valine residue is highly conserved and there is a small physicochemical difference between valine and methionine.

NM_018191.4(RCBTB1):c.994G>A (p.Val332Met)

Gene: RCBTB1 (RCC1 and BTB domain containing protein 1; minus strand). Cytogenetic location: 13q14.2.
Variant type: single nucleotide variant.
Coding change: c.994G>A on transcript NM_018191.4 (MANE Select); coding-DNA position 994, G replaced by A.
Protein change: p.Val332Met; replaces valine 332 with methionine.
Molecular consequence: missense variant. On other transcripts: non-coding transcript variant (2).
Genome position (GRCh38, 1-based): chr13:49,549,509, C>T on the plus strand (G>A on the coding strand, the complement: RCBTB1 is on the minus strand). VCF-style: chr13-49549509-C-T. GRCh37 (hg19) VCF-style: chr13-50123645-C-T.
Other names: c.994G>A, p.Val332Met (NM_001352500.2, NM_001352501.2, NM_001352502.2 and 3 more transcripts); c.415G>A, p.Val139Met (NM_001352506.2); short protein forms V139M, V332M.
Identifiers: ClinVar variation 1057957 (VCV001057957.9), dbSNP rs760901432, ClinGen allele CA6982720.